The following is an entry in ClinVar:

NM_001267550.2(TTN):c.24156A>G (p.Thr8052=)

Gene: TTN (titin; minus strand). Cytogenetic location: 2q31.2.
Variant type: single nucleotide variant.
Coding change: c.24156A>G on transcript NM_001267550.2 (MANE Select); coding-DNA position 24156, A replaced by G.
Protein change: p.Thr8052=; no amino-acid change (threonine 8052 retained).
Molecular consequence: synonymous variant. On other transcripts: intron variant (3).
Genome position (GRCh38, 1-based): chr2:178,719,234, T>C on the plus strand (A>G on the coding strand, the complement: TTN is on the minus strand). VCF-style: chr2-178719234-T-C. GRCh37 (hg19) VCF-style: chr2-179583961-T-C.
Other names: c.23205A>G, p.Thr7735= (NM_001256850.1); c.20424A>G, p.Thr6808= (NM_133378.4); c.13282+18848A>G (NM_003319.4); c.13858+18848A>G (NM_133437.4); c.13657+18848A>G (NM_133432.3).
Identifiers: ClinVar variation 228070 (VCV000228070.64), dbSNP rs749823104, ClinGen allele CA2000494.
Genomic context (GRCh38, chr2:178,719,234, plus strand): 5'-CAGGACTGCTGAGCACTCATCGGAACCAGCTACATTGGCAGCCACACACGTGTATATGCC[T>C]GTGTCGGAGGGCTCCAACAAGCTCAGATTCAAAGTACAGACGTTTTCCGAAAAGCTGGAC-3'
Protein context (NP_001254479.2, residues 8042-8062): LNLSLLEPSD[Thr8052=]GIYTCVAANV

ClinVar aggregate classification (germline): Conflicting classifications of pathogenicity. Review status: criteria provided, conflicting classifications (1 of 4 stars). 6 submissions from 6 submitters: Uncertain significance (2); Likely benign (4). Last evaluated 2025-12-21.

Conditions:
Autosomal recessive limb-girdle muscular dystrophy type 2J (LGMDR10). Also called: Limb-girdle muscular dystrophy, type 2J; MUSCULAR DYSTROPHY, LIMB-GIRDLE, AUTOSOMAL RECESSIVE 10. Identifiers: Orphanet 140922, MedGen C1837342, MONDO:0012127, OMIM 608807.
Dilated cardiomyopathy 1G (CMD1G). Identifiers: Orphanet 154, MedGen C1858763, MONDO:0011400, OMIM 604145.

Allele frequency attached by ClinVar (database versions not stated): TOPMed 0.00005.
gnomAD v4.1: 58 of 1,613,626 alleles (0.0036%); highest among the groups gnomAD compares: Non-Finnish European, 0.0042%; no homozygotes.

Submissions (6):

Labcorp Genetics (formerly Invitae), Labcorp
Classification: Likely benign for Dilated cardiomyopathy 1G; Autosomal recessive limb-girdle muscular dystrophy type 2J. Last evaluated: 2025-12-21. Review status: criteria provided, single submitter. Criteria: Invitae Variant Classification Sherloc (09022015). Collection method: clinical testing. Allele origin: germline.

Blueprint Genetics
Classification: Likely benign. Last evaluated: 2023-10-25. Review status: criteria provided, single submitter. Criteria: ACMG Guidelines, 2015. Collection method: clinical testing. Allele origin: germline.

GeneDx
Classification: Likely benign. Last evaluated: 2020-10-19. Review status: criteria provided, single submitter. Criteria: GeneDx Variant Classification Process June 2021. Collection method: clinical testing. Allele origin: germline. Affected: yes.

Eurofins Ntd Llc (ga)
Classification: Uncertain significance. Last evaluated: 2018-07-31. Review status: criteria provided, single submitter. Criteria: EGL ClinVar v180209 classification definitions. Collection method: clinical testing. Allele origin: germline. Observed: 5 variant alleles, 5 heterozygotes.

CeGaT Center for Human Genetics Tuebingen
Classification: Uncertain significance. Last evaluated: 2016-06-01. Review status: criteria provided, single submitter. Criteria: CeGaT Center For Human Genetics Tuebingen Variant Classification Criteria Version 2. Collection method: clinical testing. Allele origin: germline. Affected: yes. Observed: 1 variant allele.

Laboratory for Molecular Medicine, Mass General Brigham Personalized Medicine
Classification: Likely benign. Last evaluated: 2015-01-26. Review status: criteria provided, single submitter. Criteria: LMM Criteria. Collection method: clinical testing. Allele origin: germline. Observed: 1 variant allele.
Comment: p.Thr6808Thr in exon 80 of TTN: This variant is not expected to have clinical si gnificance because it does not alter an amino acid residue and is not located wi thin the splice consensus sequence. It has been identified in 6/66528 European c hromosomes by the Exome Aggregation Consortium (ExAC .org).